The following is an entry in ClinVar:

ClinVar aggregate classification (germline): Uncertain significance. Review status: criteria provided, multiple submitters, no conflicts (2 of 4 stars). 4 submissions from 4 submitters: Uncertain significance (4). Last evaluated 2025-05-16.

Conditions:
Intellectual developmental disorder, autosomal dominant 41. Also called: Intellectual disability, autosomal dominant 41. Identifiers: Orphanet 2823, MedGen C4310784, MONDO:0014842, OMIM 616944.
Pierpont syndrome (PRPTS). Identifiers: Orphanet 487825, MedGen C1865644, MONDO:0011213, OMIM 602342.
Inborn genetic diseases. Identifiers: MedGen C0950123, MeSH D030342.

Allele frequency attached by ClinVar (database versions not stated): gnomAD 0.00001; TOPMed 0.00001; gnomAD exomes below 0.00001.

Submissions (4):

Ambry Genetics
Classification: Uncertain significance for Inborn genetic diseases. Last evaluated: 2025-05-16. Review status: criteria provided, single submitter. Criteria: Ambry Variant Classification Scheme 2023. Collection method: clinical testing. Allele origin: germline.

Labcorp Genetics (formerly Invitae), Labcorp
Classification: Uncertain significance for Pierpont syndrome. Last evaluated: 2025-03-06. Review status: criteria provided, single submitter. Criteria: Invitae Variant Classification Sherloc (09022015). Collection method: clinical testing. Allele origin: germline.
Comment: This sequence change replaces methionine, which is neutral and non-polar, with isoleucine, which is neutral and non-polar, at codon 148 of the TBL1XR1 protein (p.Met148Ile). This variant is present in population databases (no rsID available, gnomAD 0.002%). This variant has not been reported in the literature in individuals affected with TBL1XR1-related conditions. ClinVar contains an entry for this variant (Variation ID: 946858). Invitae Evidence Modeling of protein sequence and biophysical properties (such as structural, functional, and spatial information, amino acid conservation, physicochemical variation, residue mobility, and thermodynamic stability) indicates that this missense variant is not expected to disrupt TBL1XR1 protein function with a negative predictive value of 95%. In summary, the available evidence is currently insufficient to determine the role of this variant in disease. Therefore, it has been classified as a Variant of Uncertain Significance.

New York Genome Center
Classification: Uncertain significance for Intellectual developmental disorder, autosomal dominant 41; Pierpont syndrome. Last evaluated: 2023-06-06. Review status: criteria provided, single submitter. Criteria: NYGC Assertion Criteria 2020. Collection method: clinical testing. Allele origin: inherited. Observed: 1 heterozygote.

GeneDx
Classification: Uncertain significance. Last evaluated: 2021-04-19. Review status: criteria provided, single submitter. Criteria: GeneDx Variant Classification Process June 2021. Collection method: clinical testing. Allele origin: germline. Affected: yes.
Comment: In silico analysis supports that this missense variant does not alter protein structure/function; Has not been previously published as pathogenic or benign to our knowledge

NM_024665.7(TBL1XR1):c.444G>A (p.Met148Ile)

Gene: TBL1XR1 (TBL1X/Y related 1; minus strand). Cytogenetic location: 3q26.32.
Variant type: single nucleotide variant.
Coding change: c.444G>A on transcript NM_024665.7 (MANE Select); coding-DNA position 444, G replaced by A.
Protein change: p.Met148Ile; replaces methionine 148 with isoleucine.
Molecular consequence: missense variant.
Genome position (GRCh38, 1-based): chr3:177,050,594, C>T on the plus strand (G>A on the coding strand, the complement: TBL1XR1 is on the minus strand). VCF-style: chr3-177050594-C-T. GRCh37 (hg19) VCF-style: chr3-176768382-C-T.
Other names: c.444G>A (NM_001321194.1); c.444G>A, p.Met148Ile (NM_001321193.3, NM_001321194.3, NM_001374327.1 and 2 more transcripts); c.183G>A, p.Met61Ile (NM_001321195.3, NM_001374330.1); short protein forms M148I, M61I.
Identifiers: ClinVar variation 946858 (VCV000946858.13), dbSNP rs1339329131, ClinGen allele CA355552978.